The following is an entry in ClinVar:

ClinVar aggregate classification (germline): Pathogenic. Review status: criteria provided, multiple submitters, no conflicts (2 of 4 stars). 2 submissions from 2 submitters: Pathogenic (2). Last evaluated 2023-12-21.

Conditions:
Schimke immuno-osseous dysplasia (SIOD). Also called: Schimke Immunoosseous Dysplasia. Identifiers: Orphanet 1830, MedGen C0877024, MONDO:0009458, OMIM 242900.

Submissions (2):

Labcorp Genetics (formerly Invitae), Labcorp
Classification: Pathogenic for Schimke immuno-osseous dysplasia. Last evaluated: 2023-12-21. Review status: criteria provided, single submitter. Criteria: Invitae Variant Classification Sherloc (09022015). Collection method: clinical testing. Allele origin: germline.
Comment: This sequence change creates a premature translational stop signal (p.Trp500*) in the SMARCAL1 gene. It is expected to result in an absent or disrupted protein product. Loss-of-function variants in SMARCAL1 are known to be pathogenic (PMID: 11799392, 20301550). This variant is not present in population databases (gnomAD no frequency). This premature translational stop signal has been observed in individual(s) with clinical features of SMARCAL1-related conditions (PMID: 26633542). ClinVar contains an entry for this variant (Variation ID: 977651). For these reasons, this variant has been classified as Pathogenic.

GeneDx
Classification: Pathogenic. Last evaluated: 2020-06-11. Review status: criteria provided, single submitter. Criteria: GeneDx Variant Classification (06012015). Collection method: clinical testing. Allele origin: germline. Affected: yes.
Comment: Observed in homozygous state due to UPD in a patient with skeletal anomalies referred for genetic testing at GeneDx (Retterer et al., 2016) and not observed in homozygous state in controls. Nonsense variant predicted to result in protein truncation or nonsense mediated decay in a gene for which loss-of-function is a known mechanism of disease. Not observed in large population cohorts (Lek et al., 2016). We interpret W500X as a pathogenic variant.

Literature cited by the submitters: PubMed 11799392 (cited by Labcorp Genetics (formerly Invitae), Labcorp); PubMed 20301550 (cited by Labcorp Genetics (formerly Invitae), Labcorp); PubMed 26633542 (cited by Labcorp Genetics (formerly Invitae), Labcorp).

NM_014140.4(SMARCAL1):c.1499G>A (p.Trp500Ter)

Gene: SMARCAL1 (SNF2 related chromatin remodeling annealing helicase 1; plus strand). Cytogenetic location: 2q35.
Variant type: single nucleotide variant.
Coding change: c.1499G>A on transcript NM_014140.4 (MANE Select); coding-DNA position 1499, G replaced by A.
Protein change: p.Trp500Ter; replaces tryptophan 500 with a stop codon.
Molecular consequence: nonsense.
Genome position (GRCh38, 1-based): chr2:216,435,351, G>A. VCF-style: chr2-216435351-G-A. GRCh37 (hg19) VCF-style: chr2-217300074-G-A.
Other names: c.1499G>A, p.Trp500Ter (NM_001127207.2); short protein forms W500*.
Identifiers: ClinVar variation 977651 (VCV000977651.4), dbSNP rs1694058443, ClinGen allele CA350500320.